The following is an entry in ClinVar:

NC_000002.11:g.(32460638_32461315)_(32466195_32474675)del

Gene: NLRC4 (NLR family CARD domain containing 4; minus strand). Cytogenetic location: 2p22.3.
Variant type: Deletion.
Identifiers: ClinVar variation 3895650 (VCV003895650.1).

ClinVar aggregate classification (germline): Uncertain significance (1 of 4 stars; one submission).

Submission:

Women's Health and Genetics/Laboratory Corporation of America, LabCorp
Classification: Uncertain significance. Last evaluated: 2025-03-14. Review status: criteria provided, single submitter. Criteria: LabCorp Variant Classification Summary - May 2015. Collection method: clinical testing. Allele origin: germline.
Comment: Variant summary: The variant involves the deletion of exons 5-7 in the NLRC4 gene. A presumed nomenclature of c.(2257+1_2258-1)_(2614+1_2615-1)del has been designated for the purposes of this classification. This Copy Number Variant (CNV) is predicted to result in an in-frame deletion within this gene. Current evidence is not sufficient to establish loss of function as a mechanism for disease. The variant was absent in 21694 control chromosomes. The available data on variant occurrences in the general population are insufficient to allow any conclusion about variant significance. To our knowledge, no occurrence of c.(2257+1_2258-1)_(2614+1_2615-1)del in individuals affected with Periodic fever-infantile enterocolitis-autoinflammatory syndrome and no experimental evidence demonstrating its impact on protein function have been reported. ClinVar contains an entry for this variant (Variation ID: 2426676). Based on the evidence outlined above, the variant was classified as uncertain significance.

Literature cited by the submitters: PubMed 32537258.